The following is an entry in ClinVar:

NM_001099922.3(ALG13):c.2756C>A (p.Pro919Gln)

Gene: ALG13 (ALG13 UDP-N-acetylglucosaminyltransferase subunit; plus strand). Cytogenetic location: Xq23.
Variant type: single nucleotide variant.
Coding change: c.2756C>A on transcript NM_001099922.3 (MANE Select); coding-DNA position 2756, C replaced by A.
Protein change: p.Pro919Gln; replaces proline 919 with glutamine.
Molecular consequence: missense variant. On other transcripts: intron variant (5).
Genome position (GRCh38, 1-based): chrX:111,744,728, C>A. VCF-style: chrX-111744728-C-A. GRCh37 (hg19) VCF-style: chrX-110987956-C-A.
Other names: c.2522C>A, p.Pro841Gln (NM_001257231.2); c.2383+7849C>A (NM_001257237.2, NM_001257234.2, NM_001257230.2); c.2209+7849C>A (NM_001324293.1); c.2695+7849C>A (NM_001324292.2); short protein forms P841Q, P919Q.
Identifiers: ClinVar variation 2741636 (VCV002741636.3), dbSNP rs2526298423, ClinGen allele CA414291461.

ClinVar aggregate classification (germline): Uncertain significance (1 of 4 stars; one submission).

Conditions:
Developmental and epileptic encephalopathy, 36 (DEE36). Also called: Epileptic encephalopathy, early infantile, 36; Congenital disorder of glycosylation, type Is; ALG13-CDG. Identifiers: Orphanet 324422, MedGen C4317295, MONDO:0010472, OMIM 300884.

Allele frequency attached by ClinVar (database versions not stated): gnomAD exomes below 0.00001.
gnomAD v4.1: 1 of 946,971 alleles (0.00011%); highest among the groups gnomAD compares: Non-Finnish European, 0.00014%; no homozygotes.

Submission:

Labcorp Genetics (formerly Invitae), Labcorp
Classification: Uncertain significance for Developmental and epileptic encephalopathy, 36. Last evaluated: 2023-02-23. Review status: criteria provided, single submitter. Criteria: Invitae Variant Classification Sherloc (09022015). Collection method: clinical testing. Allele origin: germline.
Comment: This variant is not present in population databases (gnomAD no frequency). This sequence change replaces proline, which is neutral and non-polar, with glutamine, which is neutral and polar, at codon 919 of the ALG13 protein (p.Pro919Gln). This variant has not been reported in the literature in individuals affected with ALG13-related conditions. In summary, the available evidence is currently insufficient to determine the role of this variant in disease. Therefore, it has been classified as a Variant of Uncertain Significance. Algorithms developed to predict the effect of missense changes on protein structure and function output the following: SIFT: "Not Available"; PolyPhen-2: "Benign"; Align-GVGD: "Not Available". The glutamine amino acid residue is found in multiple mammalian species, which suggests that this missense change does not adversely affect protein function.